The following is an entry in ClinVar:

NM_018089.3(ANKZF1):c.269A>G (p.His90Arg)

Gene: ANKZF1 (ankyrin repeat and zinc finger peptidyl tRNA hydrolase 1; plus strand). Cytogenetic location: 2q35.
Variant type: single nucleotide variant.
Coding change: c.269A>G on transcript NM_018089.3 (MANE Select); coding-DNA position 269, A replaced by G.
Protein change: p.His90Arg; replaces histidine 90 with arginine.
Molecular consequence: missense variant. On other transcripts: intron variant (1).
Genome position (GRCh38, 1-based): chr2:219,232,267, A>G. VCF-style: chr2-219232267-A-G. GRCh37 (hg19) VCF-style: chr2-220096989-A-G.
Other names: c.269A>G (NM_018089.2); c.269A>G, p.His90Arg (NM_001042410.2); c.-266-223A>G (NM_001282792.2); short protein forms H90R.
Identifiers: ClinVar variation 1462776 (VCV001462776.8), dbSNP rs1951063720, ClinGen allele CA350672674.

ClinVar aggregate classification (germline): Uncertain significance. Review status: criteria provided, multiple submitters, no conflicts (2 of 4 stars). 2 submissions from 2 submitters: Uncertain significance (2). Last evaluated 2025-11-27.

Allele frequency attached by ClinVar (database versions not stated): gnomAD exomes below 0.00001; TOPMed below 0.00001; gnomAD 0.00001.
gnomAD v4.1: 7 of 1,614,056 alleles (0.00043%); highest among the groups gnomAD compares: Non-Finnish European, 0.00059%; no homozygotes.

Submissions (2):

Labcorp Genetics (formerly Invitae), Labcorp
Classification: Uncertain significance. Last evaluated: 2025-11-27. Review status: criteria provided, single submitter. Criteria: Invitae Variant Classification Sherloc (09022015). Collection method: clinical testing. Allele origin: germline.
Comment: This sequence change replaces histidine, which is basic and polar, with arginine, which is basic and polar, at codon 90 of the ANKZF1 protein (p.His90Arg). This variant is not present in population databases (gnomAD no frequency). This variant has not been reported in the literature in individuals affected with ANKZF1-related conditions. ClinVar contains an entry for this variant (Variation ID: 1462776). An algorithm developed to predict the effect of missense changes on protein structure and function (PolyPhen-2) suggests that this variant is likely to be disruptive. In summary, the available evidence is currently insufficient to determine the role of this variant in disease. Therefore, it has been classified as a Variant of Uncertain Significance.

Ambry Genetics
Classification: Uncertain significance. Last evaluated: 2025-04-12. Review status: criteria provided, single submitter. Criteria: Ambry Variant Classification Scheme 2023. Collection method: clinical testing. Allele origin: germline.